The following is an entry in ClinVar:

ClinVar aggregate classification (germline): Benign/Likely benign. Review status: criteria provided, multiple submitters, no conflicts (2 of 4 stars). 4 submissions from 4 submitters: Benign (1); Likely benign (3). Last evaluated 2024-09-04.

Conditions:
Familial hypercholesterolemia. Also called: Familial hypercholesterolemias; Familial hypercholesterolaemia. Identifiers: MedGen C0020445, MONDO:0005439.
Cardiovascular phenotype. Identifiers: MedGen CN230736.
Hypercholesterolemia, autosomal dominant, type B (FHCL2). Also called: APOB-Related Familial Hypercholesterolemia, Autosomal Dominant; Hyperlipoproteinemia Type IIb; Familial Hypercholesterolemia Type B; APOLIPOPROTEIN B-100, FAMILIAL DEFECTIVE; APOLIPOPROTEIN B-100, FAMILIAL LIGAND-DEFECTIVE; Familial hypercholesterolemia 2. Identifiers: MedGen C1704417, MONDO:0007751, OMIM 144010.
Familial hypobetalipoproteinemia 1. Also called: APOB-Related Familial Hypobetalipoproteinemia; Hypobetalipoproteinemia, normotriglyceridemic; Acanthocytosis with hypobetalipoproteinemia. Identifiers: MedGen C4551990, MONDO:0014252, OMIM 615558.

Allele frequency attached by ClinVar (database versions not stated): ExAC 0.00001; gnomAD 0.00001; gnomAD exomes 0.00001; TOPMed 0.00004.
gnomAD v4.1: 12 of 1,613,882 alleles (0.00074%); highest among the groups gnomAD compares: Admixed American, 0.0017%; no homozygotes.

Submissions (4):

Labcorp Genetics (formerly Invitae), Labcorp
Classification: Likely benign for Familial hypobetalipoproteinemia 1; Hypercholesterolemia, autosomal dominant, type B. Last evaluated: 2024-09-04. Review status: criteria provided, single submitter. Criteria: Invitae Variant Classification Sherloc (09022015). Collection method: clinical testing. Allele origin: germline.

Ambry Genetics
Classification: Likely benign for Cardiovascular phenotype. Last evaluated: 2023-10-12. Review status: criteria provided, single submitter. Criteria: Ambry Variant Classification Scheme 2023. Collection method: clinical testing. Allele origin: germline.

GENinCode PLC
Classification: Likely benign for Familial hypercholesterolemia. Last evaluated: 2023-07-22. Review status: criteria provided, single submitter. Criteria: ACMG Guidelines, 2015. Collection method: clinical testing. Allele origin: germline.
Comment: This is a synonymous (silent) variant that is not predicted by SpliceAI to impact splicing. In addition, it occurs at a nucleotide that is not conserved. Therefore this variant has been classified as Likely Benign (BP4, BP7).

Molecular Diagnostic Laboratory for Inherited Cardiovascular Disease, Montreal Heart Institute
Classification: Benign. Last evaluated: 2019-08-01. Review status: criteria provided, single submitter. Criteria: ACMG Guidelines, 2015. Collection method: clinical testing. Allele origin: germline. Affected: yes.

NM_000384.3(APOB):c.10734C>T (p.Phe3578=)

Gene: APOB (apolipoprotein B; minus strand). Cytogenetic location: 2p24.1.
Variant type: single nucleotide variant.
Coding change: c.10734C>T on transcript NM_000384.3 (MANE Select); coding-DNA position 10734, C replaced by T.
Protein change: p.Phe3578=; no amino-acid change (phenylalanine 3578 retained).
Molecular consequence: synonymous variant.
Genome position (GRCh38, 1-based): chr2:21,006,134, G>A on the plus strand (C>T on the coding strand, the complement: APOB is on the minus strand). VCF-style: chr2-21006134-G-A. GRCh37 (hg19) VCF-style: chr2-21229006-G-A.
Identifiers: ClinVar variation 630254 (VCV000630254.13), dbSNP rs773361538, ClinGen allele CA044537.